The following is an entry in ClinVar:

ClinVar aggregate classification (germline): Uncertain significance. Review status: criteria provided, multiple submitters, no conflicts (2 of 4 stars). 6 submissions from 6 submitters: Uncertain significance (6). Last evaluated 2025-12-24.

Conditions:
FLNC-related disorder. Also called: FLNC-related condition; FLNC-related disorders.
Cardiovascular phenotype. Identifiers: MedGen CN230736.
Hypertrophic cardiomyopathy 26. Also called: Cardiomyopathy, familial hypertrophic, 26. Identifiers: Orphanet 75249, MedGen C4310749, MONDO:0014883, OMIM 617047.
Myofibrillar myopathy 5. Also called: Filaminopathy (type); FILAMINOPATHY, AUTOSOMAL DOMINANT. Identifiers: Orphanet 171445, MedGen C1836050, MONDO:0012289, OMIM 609524.
Distal myopathy with posterior leg and anterior hand involvement. Also called: WILLIAMS DISTAL MYOPATHY. Identifiers: Orphanet 63273, MedGen C3279722, MONDO:0013550, OMIM 614065.

Allele frequency attached by ClinVar (database versions not stated): gnomAD exomes 0.00001; gnomAD 0.00007; TOPMed 0.00011.

Submissions (6):

Labcorp Genetics (formerly Invitae), Labcorp
Classification: Uncertain significance for Distal myopathy with posterior leg and anterior hand involvement; Myofibrillar myopathy 5; Hypertrophic cardiomyopathy 26. Last evaluated: 2025-12-24. Review status: criteria provided, single submitter. Criteria: Invitae Variant Classification Sherloc (09022015). Collection method: clinical testing. Allele origin: germline.
Comment: This sequence change replaces proline, which is neutral and non-polar, with serine, which is neutral and polar, at codon 807 of the FLNC protein (p.Pro807Ser). This variant is present in population databases (no rsID available, gnomAD 0.003%). This missense change has been observed in individual(s) with sudden unexplained infant death (PMID: 38895864). ClinVar contains an entry for this variant (Variation ID: 642854). Invitae Evidence Modeling of protein sequence and biophysical properties (such as structural, functional, and spatial information, amino acid conservation, physicochemical variation, residue mobility, and thermodynamic stability) has been performed for this missense variant. However, the output from this modeling did not meet the statistical confidence thresholds required to predict the impact of this variant on FLNC protein function. In summary, the available evidence is currently insufficient to determine the role of this variant in disease. Therefore, it has been classified as a Variant of Uncertain Significance.

PreventionGenetics, part of Exact Sciences
Classification: Uncertain significance for FLNC-related condition. Last evaluated: 2025-06-17. Review status: criteria provided, single submitter. Criteria: ACMG Guidelines, 2015. Collection method: clinical testing. Allele origin: germline.
Comment: The FLNC c.2419C>T variant is predicted to result in the amino acid substitution p.Pro807Ser. This variant has been reported in an individual with sudden unexpected infant death (Bard et al. 2024. PubMed ID: 38895864). This variant has also been reported in a cohort study with pediatric cardiomyopathy (Supplemental information, Ware et al. 2022. PubMed ID: 35026164). This variant is reported in 0.0027% of alleles in individuals of European (Non-Finnish) descent in gnomAD. At this time, the clinical significance of this variant is uncertain due to the absence of conclusive functional and genetic evidence.

Blueprint Genetics
Classification: Uncertain significance. Last evaluated: 2024-10-21. Review status: criteria provided, single submitter. Criteria: ACMG Guidelines, 2015. Collection method: clinical testing. Allele origin: germline.

CeGaT Center for Human Genetics Tuebingen
Classification: Uncertain significance. Last evaluated: 2024-08-01. Review status: criteria provided, single submitter. Criteria: CeGaT Center For Human Genetics Tuebingen Variant Classification Criteria Version 2. Collection method: clinical testing. Allele origin: germline. Affected: yes. Observed: 1 variant allele.
Comment: FLNC: PM2

Ambry Genetics
Classification: Uncertain significance for Cardiovascular phenotype. Last evaluated: 2024-04-05. Review status: criteria provided, single submitter. Criteria: Ambry Variant Classification Scheme 2023. Collection method: clinical testing. Allele origin: germline.
Comment: The p.P807S variant (also known as c.2419C>T), located in coding exon 16 of the FLNC gene, results from a C to T substitution at nucleotide position 2419. The proline at codon 807 is replaced by serine, an amino acid with similar properties. This variant has been detected in a pediatric hypertrophic cardiomyopathy case; however, details were limited (Ware SM et al. Am J Hum Genet, 2022 Feb;109:282-298). This amino acid position is well conserved in available vertebrate species. In addition, the in silico prediction for this alteration is inconclusive. Based on the available evidence, the clinical significance of this variant remains unclear.

GeneDx
Classification: Uncertain significance. Last evaluated: 2022-06-07. Review status: criteria provided, single submitter. Criteria: GeneDx Variant Classification Process June 2021. Collection method: clinical testing. Allele origin: germline. Affected: yes.
Comment: Has not been previously published as pathogenic or benign to our knowledge; Not observed at significant frequency in large population cohorts (gnomAD); In silico analysis supports that this missense variant has a deleterious effect on protein structure/function

Literature cited by the submitters: PubMed 38895864 (cited by Labcorp Genetics (formerly Invitae), Labcorp); PubMed 35026164 (cited by Ambry Genetics).

NM_001458.5(FLNC):c.2419C>T (p.Pro807Ser)

Gene: FLNC (filamin C; plus strand). Cytogenetic location: 7q32.1.
Variant type: single nucleotide variant.
Coding change: c.2419C>T on transcript NM_001458.5 (MANE Select); coding-DNA position 2419, C replaced by T.
Protein change: p.Pro807Ser; replaces proline 807 with serine.
Molecular consequence: missense variant.
Genome position (GRCh38, 1-based): chr7:128,842,823, C>T. VCF-style: chr7-128842823-C-T. GRCh37 (hg19) VCF-style: chr7-128482877-C-T.
Other names: c.2419C>T, p.Pro807Ser (NM_001127487.2); short protein forms P807S.
Identifiers: ClinVar variation 642854 (VCV000642854.31), dbSNP rs946201226, ClinGen allele CA166175487.